The following is an entry in ClinVar:

ClinVar aggregate classification (germline): Pathogenic (1 of 4 stars; one submission).

Conditions:
Hyperornithinemia-hyperammonemia-homocitrullinuria syndrome (HHHS). Also called: HHH SYNDROME; Ornithine translocase deficiency. Identifiers: Orphanet 415, MedGen C0268540, MONDO:0009393, OMIM 238970.

Allele frequency attached by ClinVar (database versions not stated): TOPMed below 0.00001.

Submission:

Labcorp Genetics (formerly Invitae), Labcorp
Classification: Pathogenic for Hyperornithinemia-hyperammonemia-homocitrullinuria syndrome. Last evaluated: 2023-06-22. Review status: criteria provided, single submitter. Criteria: Invitae Variant Classification Sherloc (09022015). Collection method: clinical testing. Allele origin: germline.
Comment: This variant has not been reported in the literature in individuals affected with SLC25A15-related conditions. This sequence change creates a premature translational stop signal (p.Trp224Glyfs*31) in the SLC25A15 gene. While this is not anticipated to result in nonsense mediated decay, it is expected to disrupt the last 78 amino acid(s) of the SLC25A15 protein. This variant is not present in population databases (gnomAD no frequency). For these reasons, this variant has been classified as Pathogenic. This variant disrupts a region of the SLC25A15 protein in which other variant(s) (p.Arg275*) have been determined to be pathogenic (PMID: 16376511, 23430880). This suggests that this is a clinically significant region of the protein, and that variants that disrupt it are likely to be disease-causing.

Literature cited by the submitters: PubMed 16376511; PubMed 23430880.

NM_014252.4(SLC25A15):c.669del (p.Trp224fs)

Gene: SLC25A15 (solute carrier family 25 member 15; plus strand). Cytogenetic location: 13q14.11.
Variant type: Deletion.
Coding change: c.669del on transcript NM_014252.4 (MANE Select); coding-DNA position 669, one base deleted (C; older notation c.669delC).
Protein change: p.Trp224fs; shifts the reading frame from tryptophan 224.
Molecular consequence: frameshift variant.
Genome position (GRCh38, 1-based): chr13:40,808,484, C deleted. VCF-style (leftmost placement, unchanged base first): chr13-40808483-TC-T. GRCh37 (hg19) VCF-style: chr13-41382619-TC-T.
Other names: short protein forms W224fs.
Identifiers: ClinVar variation 2724161 (VCV002724161.3), dbSNP rs902890400, ClinGen allele CA248381066.
Genomic context (GRCh38, chr13:40,808,483, plus strand): 5'-TTTTTTTTTCTCTAGGCCCTGTACCTTTGATGTTAAGTGGTGGAGTTGGTGGGATTTGCC[TC>T]TGGCTTGCGGTATACCCAGTGGATTGTATCAAATCCAGAATTCAAGTTCTTTCCATGTCT-3'